The following is an entry in ClinVar:

NM_001903.5(CTNNA1):c.2607G>T (p.Leu869Phe)

Gene: CTNNA1 (catenin alpha 1; plus strand). Cytogenetic location: 5q31.2.
Variant type: single nucleotide variant.
Coding change: c.2607G>T on transcript NM_001903.5 (MANE Select); coding-DNA position 2607, G replaced by T.
Protein change: p.Leu869Phe; replaces leucine 869 with phenylalanine.
Molecular consequence: missense variant. On other transcripts: 3 prime UTR variant (5).
Genome position (GRCh38, 1-based): chr5:138,933,975, G>T. VCF-style: chr5-138933975-G-T. GRCh37 (hg19) VCF-style: chr5-138269664-G-T.
Other names: c.1158G>T, p.Leu386Phe (NM_001324009.1, NM_001324010.1, NM_001324006.1 and 2 more transcripts); c.1404G>T, p.Leu468Phe (NM_001324011.1); c.1254G>T, p.Leu418Phe (NM_001324012.1, NM_001324013.1); c.*152G>T (NM_001290307.3, NM_001324002.1, NM_001324003.1 and 2 more transcripts); c.2298G>T, p.Leu766Phe (NM_001290309.3); c.2238G>T, p.Leu746Phe (NM_001290310.3); c.1497G>T, p.Leu499Phe (NM_001290312.1, NM_001323987.1, NM_001323988.1 and 12 more transcripts); c.2607G>T, p.Leu869Phe (NM_001323982.2, NM_001323983.1, NM_001323984.2); and 3 more; short protein forms L418F, L454F, L838F, L860F, L468F, L499F, L869F, L746F.
Identifiers: ClinVar variation 1793747 (VCV001793747.2), dbSNP rs2150359688, ClinGen allele CA361135590.
Genomic context (GRCh38, chr5:138,933,975, plus strand): 5'-GGCTTCCCTCAACCTTCCTGCTGTGTCATGGAAGATGAAGGCACCAGAGAAAAAGCCATT[G>T]GTGAAGAGAGAGAAACAGGATGAGACACAGACCAAGATTAAACGGGCATCTCAGAAGAAG-3'
Protein context (NP_001894.2, residues 859-879): WKMKAPEKKP[Leu869Phe]VKREKQDETQ

ClinVar aggregate classification (germline): Uncertain significance (1 of 4 stars; one submission).

Conditions:
Hereditary cancer-predisposing syndrome. Also called: Tumor predisposition; Hereditary Cancer Syndrome; Neoplastic Syndromes, Hereditary; Hereditary neoplastic syndrome. Identifiers: Orphanet 140162, MedGen C0027672, MeSH D009386, MONDO:0015356.

Submission:

Ambry Genetics
Classification: Uncertain significance for Hereditary cancer-predisposing syndrome. Last evaluated: 2022-05-12. Review status: criteria provided, single submitter. Criteria: Ambry Variant Classification Scheme 2023. Collection method: clinical testing. Allele origin: germline.
Comment: The p.L869F variant (also known as c.2607G>T), located in coding exon 17 of the CTNNA1 gene, results from a G to T substitution at nucleotide position 2607. The leucine at codon 869 is replaced by phenylalanine, an amino acid with highly similar properties. This amino acid position is conserved. In addition, the in silico prediction for this alteration is inconclusive. Since supporting evidence is limited at this time, the clinical significance of this alteration remains unclear.